The following is an entry in ClinVar:

ClinVar aggregate classification (germline): Uncertain significance (1 of 4 stars; one submission).

Submission:

Dasa
Classification: Uncertain significance. Last evaluated: 2026-04-15. Review status: criteria provided, single submitter. Criteria: DASA Assertion Criteria. Collection method: clinical testing. Allele origin: germline.
Comment: NM_007046.4(EMILIN1):c.887A>T (p.Gln296Leu) is a missense variant that results in the substitution of glutamine with leucine. This variant is rare in population databases. Computational prediction algorithms are consistent with a benign effect. The currently available literature and clinical evidence are not sufficient to establish a definitive association between this variant and the reported condition. Therefore, this variant is classified as a variant of uncertain significance.

NM_007046.4(EMILIN1):c.887A>T (p.Gln296Leu)

Gene: EMILIN1 (elastin microfibril interfacer 1; plus strand). Cytogenetic location: 2p23.3.
Variant type: single nucleotide variant.
Coding change: c.887A>T on transcript NM_007046.4 (MANE Select); coding-DNA position 887, A replaced by T.
Protein change: p.Gln296Leu; replaces glutamine 296 with leucine.
Molecular consequence: missense variant.
Genome position (GRCh38, 1-based): chr2:27,082,458, A>T. VCF-style: chr2-27082458-A-T. GRCh37 (hg19) VCF-style: chr2-27305326-A-T.
Other names: short protein forms Q296L.
Identifiers: ClinVar variation 4885356 (VCV004885356.2).